The following is an entry in ClinVar:

ClinVar aggregate classification (germline): Pathogenic (1 of 4 stars; one submission).

Conditions:
Hyperphosphatasia with impaired intellectual development syndrome 2. Also called: GLYCOSYLPHOSPHATIDYLINOSITOL BIOSYNTHESIS DEFECT 6; Hyperphosphatasia with intellectual disability syndrome 2. Identifiers: Orphanet 247262, MedGen C3553637, MONDO:0013882, OMIM 614749.

Submission:

Labcorp Genetics (formerly Invitae), Labcorp
Classification: Pathogenic for Hyperphosphatasia with impaired intellectual development syndrome 2. Last evaluated: 2025-12-21. Review status: criteria provided, single submitter. Criteria: Invitae Variant Classification Sherloc (09022015). Collection method: clinical testing. Allele origin: germline.
Comment: This sequence change creates a premature translational stop signal (p.Glu352*) in the PIGO gene. It is expected to result in an absent or disrupted protein product. Loss-of-function variants in PIGO are known to be pathogenic (PMID: 22683086, 24417746). This variant is present in population databases (rs773348616, gnomAD 0.006%). This variant has not been reported in the literature in individuals affected with PIGO-related conditions. For these reasons, this variant has been classified as Pathogenic.

Literature cited by the submitters: PubMed 22683086; PubMed 24417746.

NM_032634.4(PIGO):c.1052dup (p.Gly351_Glu352insTer)

Gene: PIGO (phosphatidylinositol glycan anchor biosynthesis class O; minus strand). Cytogenetic location: 9p13.3.
Variant type: Duplication.
Coding change: c.1052dup on transcript NM_032634.4 (MANE Select); coding-DNA position 1052, one base duplicated (G; older notation c.1052dupG).
Protein change: p.Gly351_Glu352insTer.
Molecular consequence: frameshift variant.
Genome position (GRCh38, 1-based): chr9:35,093,097, C duplicated on the plus strand (G on the coding strand, the reverse complement: PIGO is on the minus strand); the first of 5 consecutive C bases (chr9:35,093,097-35,093,101); duplicating any one gives the same sequence. VCF-style (leftmost placement, unchanged base first): chr9-35093096-A-AC. GRCh37 (hg19) VCF-style: chr9-35093093-A-AC.
Other names: c.1052dup, p.Gly351_Glu352insTer (NM_001201484.2, NM_152850.4).
Identifiers: ClinVar variation 4697588 (VCV004697588.1).